The following is an entry in ClinVar:

ClinVar aggregate classification (germline): Uncertain significance (1 of 4 stars; one submission).

Submission:

Labcorp Genetics (formerly Invitae), Labcorp
Classification: Uncertain significance. Last evaluated: 2022-01-19. Review status: criteria provided, single submitter. Criteria: Invitae Variant Classification Sherloc (09022015). Collection method: clinical testing. Allele origin: germline.
Comment: In summary, the available evidence is currently insufficient to determine the role of this variant in disease. Therefore, it has been classified as a Variant of Uncertain Significance. Experimental studies and prediction algorithms are not available or were not evaluated, and the functional significance of this variant is currently unknown. This variant has not been reported in the literature in individuals affected with SMAD2-related conditions. A gross deletion of the genomic region encompassing the full coding sequence of the SMAD2 gene has been identified. The current clinical and genetic evidence is not sufficient to establish whether loss-of-function variants in SMAD2 cause disease. The boundaries of this event are unknown as they extend beyond the assayed region for this gene and therefore may encompass additional genes.

NC_000018.9:g.(?_45368198)_(45423127_?)del

Gene: SMAD2 (SMAD family member 2; minus strand). Cytogenetic location: 18q21.1.
Variant type: Deletion.
Identifiers: ClinVar variation 2425434 (VCV002425434.3).